The following is an entry in ClinVar:

NM_177438.3(DICER1):c.1276G>A (p.Glu426Lys)

Gene: DICER1 (dicer 1, ribonuclease III; minus strand). Cytogenetic location: 14q32.13.
Variant type: single nucleotide variant.
Coding change: c.1276G>A on transcript NM_177438.3 (MANE Select); coding-DNA position 1276, G replaced by A.
Protein change: p.Glu426Lys; replaces glutamic acid 426 with lysine.
Molecular consequence: missense variant. On other transcripts: 5 prime UTR variant (1), non-coding transcript variant (6).
Genome position (GRCh38, 1-based): chr14:95,124,296, C>T on the plus strand (G>A on the coding strand, the complement: DICER1 is on the minus strand). VCF-style: chr14-95124296-C-T. GRCh37 (hg19) VCF-style: chr14-95590633-C-T.
Other names: c.1276G>A, p.Glu426Lys (NM_001395680.1, NM_001395681.1, NM_001395682.1 and 15 more transcripts); c.994G>A, p.Glu332Lys (NM_001395686.1); c.871G>A, p.Glu291Lys (NM_001395687.1, NM_001395688.1, NM_001395689.1 and 3 more transcripts); c.709G>A, p.Glu237Lys (NM_001395691.1); c.-293G>A (NM_001395697.1); short protein forms E426K, E237K, E291K, E332K.
Identifiers: ClinVar variation 1766665 (VCV001766665.2), dbSNP rs776158166, ClinGen allele CA7331509.

ClinVar aggregate classification (germline): Uncertain significance (1 of 4 stars; one submission).

Conditions:
Hereditary cancer-predisposing syndrome. Also called: Hereditary Cancer Syndrome; Hereditary neoplastic syndrome; Neoplastic Syndromes, Hereditary; Tumor predisposition. Identifiers: Orphanet 140162, MedGen C0027672, MeSH D009386, MONDO:0015356.

Allele frequency attached by ClinVar (database versions not stated): ExAC 0.00001.
gnomAD v4.1: 1 of 1,613,894 alleles (0.000062%); highest among the groups gnomAD compares: South Asian, 0.0011%; no homozygotes.

Submission:

Ambry Genetics
Classification: Uncertain significance for Hereditary cancer-predisposing syndrome. Last evaluated: 2022-10-03. Review status: criteria provided, single submitter. Criteria: Ambry Variant Classification Scheme 2023. Collection method: clinical testing. Allele origin: germline.
Comment: The p.E426K variant (also known as c.1276G>A), located in coding exon 7 of the DICER1 gene, results from a G to A substitution at nucleotide position 1276. The glutamic acid at codon 426 is replaced by lysine, an amino acid with similar properties. This amino acid position is conserved. In addition, this alteration is predicted to be tolerated by in silico analysis. Since supporting evidence is limited at this time, the clinical significance of this alteration remains unclear.